The following is an entry in ClinVar:

ClinVar aggregate classification (germline): Uncertain significance. Review status: criteria provided, multiple submitters, no conflicts (2 of 4 stars). 2 submissions from 2 submitters: Uncertain significance (2). Last evaluated 2025-03-01.

Conditions:
Inborn genetic diseases. Identifiers: MedGen C0950123, MeSH D030342.

gnomAD v4.1: 1 of 1,208,978 alleles (0.000083%); highest among the groups gnomAD compares: African/African-American, 0.0017%; no homozygotes.

Submissions (2):

CeGaT Center for Human Genetics Tuebingen
Classification: Uncertain significance. Last evaluated: 2025-03-01. Review status: criteria provided, single submitter. Criteria: CeGaT Center For Human Genetics Tuebingen Variant Classification Criteria Version 2. Collection method: clinical testing. Allele origin: germline. Affected: yes. Observed: 1 variant allele.
Comment: ATP7A: PM2, PP3

Ambry Genetics
Classification: Uncertain significance for Inborn genetic diseases. Last evaluated: 2020-06-19. Review status: criteria provided, single submitter. Criteria: Ambry Variant Classification Scheme 2023. Collection method: clinical testing. Allele origin: germline.
Comment: The p.G626D variant (also known as c.1877G>A), located in coding exon 7 of the ATP7A gene, results from a G to A substitution at nucleotide position 1877. The glycine at codon 626 is replaced by aspartic acid, an amino acid with similar properties. This amino acid position is highly conserved in available vertebrate species. In addition, this alteration is predicted to be deleterious by in silico analysis. Since supporting evidence is limited at this time, the clinical significance of this alteration remains unclear.

NM_000052.7(ATP7A):c.1877G>A (p.Gly626Asp)

Gene: ATP7A (ATPase copper transporting alpha; plus strand). Cytogenetic location: Xq21.1.
Variant type: single nucleotide variant.
Coding change: c.1877G>A on transcript NM_000052.7 (MANE Select); coding-DNA position 1877, G replaced by A.
Protein change: p.Gly626Asp; replaces glycine 626 with aspartic acid.
Molecular consequence: missense variant.
Genome position (GRCh38, 1-based): chrX:78,011,183, G>A. VCF-style: chrX-78011183-G-A. GRCh37 (hg19) VCF-style: chrX-77266680-G-A.
Other names: c.1877G>A, p.Gly626Asp (NM_001282224.2); short protein forms G626D.
Identifiers: ClinVar variation 1781802 (VCV001781802.9), dbSNP rs782667972, ClinGen allele CA413597912.
Genomic context (GRCh38, chrX:78,011,183, plus strand): 5'-ATACAATATTTATATGTTCAGTGAAATAATTTTTTTCTCATGAATTTCCTTAGAGCTTAG[G>A]TTTTGAAGCTTCTTTGGTCAAGAAGGATCGGTCAGCAAGTCACTTAGATCATAAACGAGA-3'
Protein context (NP_000043.4, residues 616-636): RDIIHTIESL[Gly626Asp]FEASLVKKDR